The following is an entry in ClinVar:

NM_031935.3(HMCN1):c.10358C>T (p.Thr3453Ile)

Gene: HMCN1 (hemicentin 1; plus strand). Cytogenetic location: 1q31.1.
Variant type: single nucleotide variant.
Coding change: c.10358C>T on transcript NM_031935.3 (MANE Select); coding-DNA position 10358, C replaced by T.
Protein change: p.Thr3453Ile; replaces threonine 3453 with isoleucine.
Molecular consequence: missense variant.
Genome position (GRCh38, 1-based): chr1:186,095,306, C>T. VCF-style: chr1-186095306-C-T. GRCh37 (hg19) VCF-style: chr1-186064438-C-T.
Other names: short protein forms T3453I.
Identifiers: ClinVar variation 2115291 (VCV002115291.4), dbSNP rs767967183, ClinGen allele CA1293704.

ClinVar aggregate classification (germline): Uncertain significance (1 of 4 stars; one submission).

Submission:

Labcorp Genetics (formerly Invitae), Labcorp
Classification: Uncertain significance. Last evaluated: 2024-10-15. Review status: criteria provided, single submitter. Criteria: Invitae Variant Classification Sherloc (09022015). Collection method: clinical testing. Allele origin: germline.
Comment: This sequence change replaces threonine, which is neutral and polar, with isoleucine, which is neutral and non-polar, at codon 3453 of the HMCN1 protein (p.Thr3453Ile). This variant is present in population databases (rs767967183, gnomAD 0.003%). This variant has not been reported in the literature in individuals affected with HMCN1-related conditions. ClinVar contains an entry for this variant (Variation ID: 2115291). An algorithm developed to predict the effect of missense changes on protein structure and function (PolyPhen-2) suggests that this variant is likely to be disruptive. In summary, the available evidence is currently insufficient to determine the role of this variant in disease. Therefore, it has been classified as a Variant of Uncertain Significance.